The following is an entry in ClinVar:

ClinVar aggregate classification (germline): Pathogenic (1 of 4 stars; one submission).

Conditions:
Brugada syndrome 5 (BRGDA5). Identifiers: Orphanet 130, Orphanet 871, MedGen C2748541, MONDO:0013015, OMIM 612838.

Submission:

Labcorp Genetics (formerly Invitae), Labcorp
Classification: Pathogenic for Brugada syndrome 5. Last evaluated: 2024-03-28. Review status: criteria provided, single submitter. Criteria: Invitae Variant Classification Sherloc (09022015). Collection method: clinical testing. Allele origin: germline.
Comment: The SCN1B gene has multiple clinically relevant transcripts. This variant occurs in alternate transcript NM_001037.5, and corresponds to NM_199037.3:c.*5088G>A in the primary transcript. This sequence change creates a premature translational stop signal (p.Trp173*) in the SCN1B gene. It is expected to result in an absent or disrupted protein product. Loss-of-function variants in SCN1B are known to be pathogenic (PMID: 17629415, 30660056). This variant is not present in population databases (gnomAD no frequency). This variant has not been reported in the literature in individuals affected with SCN1B-related conditions. For these reasons, this variant has been classified as Pathogenic.

Literature cited by the submitters: PubMed 17629415; PubMed 30660056.

NM_001037.5(SCN1B):c.518G>A (p.Trp173Ter)

Gene: SCN1B (sodium voltage-gated channel beta subunit 1; plus strand). Cytogenetic location: 19q13.11.
Variant type: single nucleotide variant.
Coding change: c.518G>A on transcript NM_001037.5 (MANE Select); coding-DNA position 518, G replaced by A.
Protein change: p.Trp173Ter; replaces tryptophan 173 with a stop codon.
Molecular consequence: nonsense.
Genome position (GRCh38, 1-based): chr19:35,039,186, G>A. VCF-style: chr19-35039186-G-A. GRCh37 (hg19) VCF-style: chr19-35530090-G-A.
Other names: c.419G>A, p.Trp140Ter (NM_001321605.2); short protein forms W140*, W173*.
Identifiers: ClinVar variation 2031780 (VCV002031780.4), dbSNP rs2514240912, ClinGen allele CA405330041.